The following is an entry in ClinVar:

ClinVar aggregate classification (germline): Uncertain significance (1 of 4 stars; one submission).

Submission:

GeneDx
Classification: Uncertain significance. Last evaluated: 2023-02-08. Review status: criteria provided, single submitter. Criteria: GeneDx Variant Classification Process June 2021. Collection method: clinical testing. Allele origin: germline. Affected: yes.
Comment: Not observed at significant frequency in large population cohorts (gnomAD); In silico analysis supports that this missense variant has a deleterious effect on protein structure/function; Has not been previously published as pathogenic or benign to our knowledge; Variants in candidate genes are classified as variants of uncertain significance in accordance with ACMG guidelines (Richards et al., 2015)

NM_019045.5(WDR44):c.2003T>C (p.Leu668Ser)

Gene: WDR44 (WD repeat domain 44; plus strand). Cytogenetic location: Xq24.
Variant type: single nucleotide variant.
Coding change: c.2003T>C on transcript NM_019045.5 (MANE Select); coding-DNA position 2003, T replaced by C.
Protein change: p.Leu668Ser; replaces leucine 668 with serine.
Molecular consequence: missense variant. On other transcripts: intron variant (1).
Genome position (GRCh38, 1-based): chrX:118,441,396, T>C. VCF-style: chrX-118441396-T-C. GRCh37 (hg19) VCF-style: chrX-117575359-T-C.
Other names: c.2003T>C, p.Leu668Ser (NM_001184965.2); c.1900-848T>C (NM_001184966.1); short protein forms L668S.
Identifiers: ClinVar variation 3342816 (VCV003342816.1).
Genomic context (GRCh38, chrX:118,441,396, plus strand): 5'-AATGAAAACTTTCTCTGTTGCCACCTCTTTAGGATGACAGGTATTTTCTAAGTGGGTCTT[T>C]GGATGGAAAGCTCCGCCTTTGGAACATACCTGACAAAAAAGTGGCTTTGTGGAATGAAGT-3'
Protein context (NP_061918.3, residues 658-678): RDDRYFLSGS[Leu668Ser]DGKLRLWNIP